The following is an entry in ClinVar:

NM_000069.3(CACNA1S):c.1401_1414del (p.Asn468fs)

Gene: CACNA1S (calcium voltage-gated channel subunit alpha1 S; minus strand). Cytogenetic location: 1q32.1.
Variant type: Deletion.
Coding change: c.1401_1414del on transcript NM_000069.3 (MANE Select); coding-DNA positions 1401 to 1414, 14 bases deleted (CAACCGGGTGCTGC).
Protein change: p.Asn468fs; shifts the reading frame from asparagine 468.
Molecular consequence: frameshift variant.
Genome position (GRCh38, 1-based): chr1:201,078,084-201,078,097, GCAGCACCCGGTTG deleted on the plus strand (CAACCGGGTGCTGC on the coding strand, the reverse complement: CACNA1S is on the minus strand); deleting any 14 consecutive bases within chr1:201,078,084-201,078,100 gives the same sequence; the c. name uses the placement nearest the transcript's 3' end. VCF-style (leftmost placement, unchanged base first): chr1-201078083-AGCAGCACCCGGTTG-A. GRCh37 (hg19) VCF-style: chr1-201047211-AGCAGCACCCGGTTG-A.
Other names: short protein forms N468fs.
Identifiers: ClinVar variation 1455320 (VCV001455320.9), dbSNP rs2102144416, ClinGen allele CA2573131416.

ClinVar aggregate classification (germline): Pathogenic/Likely pathogenic. Review status: criteria provided, multiple submitters, no conflicts (2 of 4 stars). 5 submissions from 4 submitters: Pathogenic (1); Likely pathogenic (4). Last evaluated 2023-04-11.

Conditions:
Hypokalemic periodic paralysis, type 1. Also called: Hypokalemic Periodic Paralysis Type 1 (AD); HypoPP. Identifiers: Orphanet 681, MedGen C3714580, MONDO:0042979, OMIM 170400.
Malignant hyperthermia, susceptibility to, 5 (MHS5). Also called: CACNA1S-Related Malignant Hyperthermia Susceptibility. Identifiers: Orphanet 423, MedGen C1866077, MONDO:0011163, OMIM 601887.
Thyrotoxic periodic paralysis, susceptibility to, 1 (TTPP1). Identifiers: Orphanet 79102, MedGen C2749982, MONDO:0008570, OMIM 188580.

Submissions (5):

Genome-Nilou Lab
Classification: Likely pathogenic for Malignant hyperthermia, susceptibility to, 5. Last evaluated: 2023-04-11. Review status: criteria provided, single submitter. Criteria: ACMG Guidelines, 2015. Collection method: clinical testing. Allele origin: germline. Affected: no.

Genome-Nilou Lab
Classification: Likely pathogenic for Hypokalemic periodic paralysis, type 1. Last evaluated: 2023-04-11. Review status: criteria provided, single submitter. Criteria: ACMG Guidelines, 2015. Collection method: clinical testing. Allele origin: germline. Affected: no.

Baylor Genetics
Classification: Likely pathogenic for Hypokalemic periodic paralysis, type 1. Last evaluated: 2023-01-17. Review status: criteria provided, single submitter. Criteria: ACMG Guidelines, 2015. Collection method: clinical testing. Allele origin: unknown.

Labcorp Genetics (formerly Invitae), Labcorp
Classification: Pathogenic for Hypokalemic periodic paralysis, type 1; Malignant hyperthermia, susceptibility to, 5. Last evaluated: 2022-02-02. Review status: criteria provided, single submitter. Criteria: Invitae Variant Classification Sherloc (09022015). Collection method: clinical testing. Allele origin: germline.
Comment: This variant is not present in population databases (gnomAD no frequency). This variant has not been reported in the literature in individuals affected with CACNA1S-related conditions. For these reasons, this variant has been classified as Pathogenic. This sequence change creates a premature translational stop signal (p.Asn468Valfs*6) in the CACNA1S gene. It is expected to result in an absent or disrupted protein product. Loss-of-function variants in CACNA1S are known to be pathogenic (PMID: 26247046, 28012042).

Fulgent Genetics
Classification: Likely pathogenic for Hypokalemic periodic paralysis, type 1; Thyrotoxic periodic paralysis, susceptibility to, 1; Malignant hyperthermia, susceptibility to, 5. Last evaluated: 2021-12-27. Review status: criteria provided, single submitter. Criteria: ACMG Guidelines, 2015. Collection method: clinical testing. Allele origin: unknown.

Literature cited by the submitters: PubMed 26247046 (cited by Labcorp Genetics (formerly Invitae), Labcorp); PubMed 28012042 (cited by Labcorp Genetics (formerly Invitae), Labcorp).